The following is an entry in ClinVar:

ClinVar aggregate classification (germline): Uncertain significance. Review status: criteria provided, multiple submitters, no conflicts (2 of 4 stars). 4 submissions from 4 submitters: Uncertain significance (4). Last evaluated 2025-09-16.

Conditions:
Hereditary cancer-predisposing syndrome. Also called: Hereditary neoplastic syndrome; Tumor predisposition; Hereditary Cancer Syndrome; Neoplastic Syndromes, Hereditary. Identifiers: Orphanet 140162, MedGen C0027672, MeSH D009386, MONDO:0015356.
Lynch syndrome. Identifiers: Orphanet 144, MedGen C4552100, MONDO:0005835. Disease mechanism: loss of function.
Hereditary nonpolyposis colorectal neoplasms. Identifiers: MedGen C0009405, MeSH D003123.

Allele frequency attached by ClinVar (database versions not stated): gnomAD exomes below 0.00001.
gnomAD v4.1: 2 of 1,614,102 alleles (0.00012%); highest among the groups gnomAD compares: Non-Finnish European, 0.00017%; no homozygotes.

Submissions (4):

Labcorp Genetics (formerly Invitae), Labcorp
Classification: Uncertain significance for Hereditary nonpolyposis colorectal neoplasms. Last evaluated: 2025-09-16. Review status: criteria provided, single submitter. Criteria: Invitae Variant Classification Sherloc (09022015). Collection method: clinical testing. Allele origin: germline.
Comment: This sequence change replaces glutamic acid, which is acidic and polar, with lysine, which is basic and polar, at codon 198 of the MSH6 protein (p.Glu198Lys). This variant is not present in population databases (gnomAD no frequency). This variant has not been reported in the literature in individuals affected with MSH6-related conditions. ClinVar contains an entry for this variant (Variation ID: 491977). Invitae Evidence Modeling of protein sequence and biophysical properties (such as structural, functional, and spatial information, amino acid conservation, physicochemical variation, residue mobility, and thermodynamic stability) indicates that this missense variant is not expected to disrupt MSH6 protein function with a negative predictive value of 95%. In summary, the available evidence is currently insufficient to determine the role of this variant in disease. Therefore, it has been classified as a Variant of Uncertain Significance.

Color Diagnostics, LLC DBA Color Health
Classification: Uncertain significance for Hereditary cancer-predisposing syndrome. Last evaluated: 2025-07-10. Review status: criteria provided, single submitter. Criteria: ACMG Guidelines, 2015. Collection method: clinical testing. Allele origin: germline.
Comment: This missense variant replaces glutamic acid with lysine at codon 198 of the MSH6 protein. Computational prediction suggests that this variant may not impact protein structure and function. To our knowledge, functional studies have not been reported for this variant. This variant has not been reported in individuals affected with MSH6-related disorders in the literature. This variant has not been identified in the general population by the Genome Aggregation Database (gnomAD). The available evidence is insufficient to determine the role of this variant in disease conclusively. Therefore, this variant is classified as a Variant of Uncertain Significance.

Ambry Genetics
Classification: Uncertain significance for Hereditary cancer-predisposing syndrome. Last evaluated: 2024-03-12. Review status: criteria provided, single submitter. Criteria: Ambry Variant Classification Scheme 2023. Collection method: clinical testing. Allele origin: germline.
Comment: The p.E198K variant (also known as c.592G>A), located in coding exon 3 of the MSH6 gene, results from a G to A substitution at nucleotide position 592. The glutamic acid at codon 198 is replaced by lysine, an amino acid with similar properties. This amino acid position is well conserved in available vertebrate species. In addition, this alteration is predicted to be tolerated by in silico analysis. Based on the available evidence, the clinical significance of this alteration remains unclear.

All of Us Research Program, National Institutes of Health
Classification: Uncertain significance for Lynch syndrome. Last evaluated: 2023-06-08. Review status: criteria provided, single submitter. Criteria: ACMG Guidelines, 2015. Collection method: clinical testing. Allele origin: germline. Inheritance: Autosomal dominant inheritance. Observed: 2 variant alleles, 2 heterozygotes.
Comment: This missense variant replaces glutamic acid with lysine at codon 198 of the MSH6 protein. Computational prediction suggests that this variant may not impact protein structure and function (internally defined REVEL score threshold <= 0.5, PMID: 27666373). To our knowledge, functional studies have not been reported for this variant. This variant has not been reported in individuals affected with MSH6-related disorders in the literature. This variant has not been identified in the general population by the Genome Aggregation Database (gnomAD). The available evidence is insufficient to determine the role of this variant in disease conclusively. Therefore, this variant is classified as a Variant of Uncertain Significance.

This study involves interpretation of variants in research participants for the purpose of population health screening. Participant phenotype was not available at the time of variant classification. Additional details can be found in publication PMID: 35346344, PMCID: PMC8962531

NM_000179.3(MSH6):c.592G>A (p.Glu198Lys)

Gene: MSH6 (mutS homolog 6; plus strand). Cytogenetic location: 2p16.3.
Variant type: single nucleotide variant.
Coding change: c.592G>A on transcript NM_000179.3 (MANE Select); coding-DNA position 592, G replaced by A.
Protein change: p.Glu198Lys; replaces glutamic acid 198 with lysine.
Molecular consequence: missense variant. On other transcripts: 5 prime UTR variant (1), intron variant (2).
Genome position (GRCh38, 1-based): chr2:47,796,028, G>A. VCF-style: chr2-47796028-G-A. GRCh37 (hg19) VCF-style: chr2-48023167-G-A.
Other names: c.-311G>A (NM_001281494.2); c.-279-2583G>A (NM_001281493.2); c.238-2583G>A (NM_001281492.2); short protein forms E198K.
Identifiers: ClinVar variation 491977 (VCV000491977.20), dbSNP rs1553411490, ClinGen allele CA346738836.